The following is an entry in ClinVar:

NM_001903.5(CTNNA1):c.1072A>G (p.Lys358Glu)

Gene: CTNNA1 (catenin alpha 1; plus strand). Cytogenetic location: 5q31.2.
Variant type: single nucleotide variant.
Coding change: c.1072A>G on transcript NM_001903.5 (MANE Select); coding-DNA position 1072, A replaced by G.
Protein change: p.Lys358Glu; replaces lysine 358 with glutamic acid.
Molecular consequence: missense variant. On other transcripts: 5 prime UTR variant (26), intron variant (2).
Genome position (GRCh38, 1-based): chr5:138,886,221, A>G. VCF-style: chr5-138886221-A-G. GRCh37 (hg19) VCF-style: chr5-138221910-A-G.
Other names: c.1072A>G, p.Lys358Glu (NM_001290307.3, NM_001323982.2, NM_001323983.1 and 3 more transcripts); c.763A>G, p.Lys255Glu (NM_001290309.3); c.703A>G, p.Lys235Glu (NM_001290310.3); c.-39A>G (NM_001290312.1, NM_001323987.1, NM_001323988.1 and 18 more transcripts); c.-436A>G (NM_001324006.1, NM_001324007.1, NM_001324008.1 and 1 more transcripts); c.-311A>G (NM_001324013.1); c.-58+10624A>G (NM_001324012.1); c.-61+10624A>G (NM_001324010.1); short protein forms K235E, K358E, K255E.
Identifiers: ClinVar variation 1783819 (VCV001783819.3), dbSNP rs2532980149, ClinGen allele CA361132481.

ClinVar aggregate classification (germline): Uncertain significance (1 of 4 stars; one submission).

Conditions:
Hereditary cancer-predisposing syndrome. Also called: Neoplastic Syndromes, Hereditary; Tumor predisposition; Hereditary Cancer Syndrome; Hereditary neoplastic syndrome. Identifiers: Orphanet 140162, MedGen C0027672, MeSH D009386, MONDO:0015356.

Submission:

Ambry Genetics
Classification: Uncertain significance for Hereditary cancer-predisposing syndrome. Last evaluated: 2024-12-30. Review status: criteria provided, single submitter. Criteria: Ambry Variant Classification Scheme 2023. Collection method: clinical testing. Allele origin: germline.
Comment: The p.K358E variant (also known as c.1072A>G), located in coding exon 7 of the CTNNA1 gene, results from an A to G substitution at nucleotide position 1072. The lysine at codon 358 is replaced by glutamic acid, an amino acid with similar properties. This amino acid position is highly conserved in available vertebrate species. In addition, the in silico prediction for this alteration is inconclusive. The evidence for this gene-disease relationship is limited; therefore, the clinical significance of this alteration is unclear.